The following is an entry in ClinVar:

NM_014494.4(TNRC6A):c.5456C>A (p.Ala1819Asp)

Gene: TNRC6A (trinucleotide repeat containing adaptor 6A; plus strand). Cytogenetic location: 16p12.1.
Variant type: single nucleotide variant.
Coding change: c.5456C>A on transcript NM_014494.4 (MANE Select); coding-DNA position 5456, C replaced by A.
Protein change: p.Ala1819Asp; replaces alanine 1819 with aspartic acid.
Molecular consequence: missense variant.
Genome position (GRCh38, 1-based): chr16:24,822,956, C>A. VCF-style: chr16-24822956-C-A. GRCh37 (hg19) VCF-style: chr16-24834277-C-A.
Other names: c.5336C>A, p.Ala1779Asp (NM_001351850.2); c.5309C>A, p.Ala1770Asp (NM_001330520.3); short protein forms A1770D, A1779D, A1819D.
Identifiers: ClinVar variation 3897750 (VCV003897750.1).

ClinVar aggregate classification (oncogenicity): Uncertain significance (1 of 4 stars; one submission).

Conditions:
Meningioma. Also called: Meningioma, somatic. Identifiers: Orphanet 2495, MedGen C0025286, MONDO:0016642, HP:0002858.

Submission:

Dr. Guy Rouleau's laboratory, McGill University
Classification: Uncertain significance for Meningioma. Last evaluated: 2025-03-30. Review status: criteria provided, single submitter. Criteria: ClinGen/CGC/VICC Guidelines for Oncogenicity, 2022. Collection method: research. Allele origin: somatic. Affected: yes.
Comment: This missense variant, located at position 1819 in the TNRC6A gene, results in the substitution of Alanine (A), a neutral and non-polar amino acid, with Aspartic acid (D), an acidic amino acid. This somatic variant was identified in a paired tumor-blood sequencing study of meningiomas. It has not been reported in population databases (gnomAD v2.1.1: no frequency). Due to insufficient evidence, the clinical significance of this variant remains unknown